The following is an entry in ClinVar:

NM_001042492.3(NF1):c.2080_2090del (p.Phe694fs)

Gene: NF1 (neurofibromin 1; plus strand). Cytogenetic location: 17q11.2.
Variant type: Deletion.
Coding change: c.2080_2090del on transcript NM_001042492.3 (MANE Select); coding-DNA positions 2080 to 2090, 11 bases deleted (TTTCTGTGGAA).
Protein change: p.Phe694fs; shifts the reading frame from phenylalanine 694.
Molecular consequence: frameshift variant.
Genome position (GRCh38, 1-based): chr17:31,226,513-31,226,523, TTTCTGTGGAA deleted. VCF-style (leftmost placement, unchanged base first): chr17-31226512-GTTTCTGTGGAA-G. GRCh37 (hg19) VCF-style: chr17-29553530-GTTTCTGTGGAA-G.
Other names: c.2080_2090del, p.Phe694fs (NM_000267.4); short protein forms F694fs.
Identifiers: ClinVar variation 4721014 (VCV004721014.1).

ClinVar aggregate classification (germline): Pathogenic (1 of 4 stars; one submission).

Conditions:
Neurofibromatosis, type 1 (NF1). Also called: NEUROFIBROMATOSIS, TYPE I, SOMATIC; VON RECKLINGHAUSEN DISEASE; Peripheral type neurofibromatosis; Neurofibromatosis, type I. Identifiers: Orphanet 636, MedGen C0027831, MONDO:0018975, OMIM 162200. Disease mechanism: loss of function.

Submission:

Labcorp Genetics (formerly Invitae), Labcorp
Classification: Pathogenic for Neurofibromatosis, type 1. Last evaluated: 2025-06-09. Review status: criteria provided, single submitter. Criteria: Invitae Variant Classification Sherloc (09022015). Collection method: clinical testing. Allele origin: germline.
Comment: This sequence change creates a premature translational stop signal (p.Phe694Profs*2) in the NF1 gene. It is expected to result in an absent or disrupted protein product. Loss-of-function variants in NF1 are known to be pathogenic (PMID: 10712197, 23913538). This variant is not present in population databases (gnomAD no frequency). This variant has not been reported in the literature in individuals affected with NF1-related conditions. For these reasons, this variant has been classified as Pathogenic.

Literature cited by the submitters: PubMed 10712197; PubMed 23913538.